The following is an entry in ClinVar:

ClinVar aggregate classification (germline): Likely benign. Review status: criteria provided, single submitter (1 of 4 stars). 2 submissions from 2 submitters: Likely benign (1). 1 of the submissions does not count toward it. Last evaluated 2024-03-04.

Conditions:
TIMMDC1-related disorder. Also called: TIMMDC1-related condition.

Allele frequency attached by ClinVar (database versions not stated): ExAC 0.00011; gnomAD 0.00034 and 0.00038; TOPMed 0.00044; ESP Exome Variant Server 0.00046.
gnomAD v4.1: 99 of 1,604,980 alleles (0.0062%); highest among the groups gnomAD compares: African/African-American, 0.12%; no homozygotes.

Submissions (2):

Labcorp Genetics (formerly Invitae), Labcorp
Classification: Likely benign. Last evaluated: 2024-03-04. Review status: criteria provided, single submitter. Criteria: Invitae Variant Classification Sherloc (09022015). Collection method: clinical testing. Allele origin: germline.

PreventionGenetics, part of Exact Sciences
Classification: Likely benign for TIMMDC1-related condition. Last evaluated: 2019-04-09. Review status: no assertion criteria provided. Collection method: clinical testing. Allele origin: germline. Not counted in ClinVar's aggregate classification.
Comment: This variant is classified as likely benign based on ACMG/AMP sequence variant interpretation guidelines (Richards et al. 2015 PMID: 25741868, with internal and published modifications).

NM_016589.4(TIMMDC1):c.705G>A (p.Glu235=)

Gene: TIMMDC1 (translocase of inner mitochondrial membrane domain containing 1; plus strand). Cytogenetic location: 3q13.33.
Variant type: single nucleotide variant.
Coding change: c.705G>A on transcript NM_016589.4 (MANE Select); coding-DNA position 705, G replaced by A.
Protein change: p.Glu235=; no amino-acid change (glutamic acid 235 retained).
Molecular consequence: synonymous variant.
Genome position (GRCh38, 1-based): chr3:119,517,313, G>A. VCF-style: chr3-119517313-G-A. GRCh37 (hg19) VCF-style: chr3-119236160-G-A.
Other names: c.705G>A (NM_016589.3).
Identifiers: ClinVar variation 1566242 (VCV001566242.10), dbSNP rs150396264, ClinGen allele CA2555338.